The following is an entry in ClinVar:

ClinVar aggregate classification (germline): Likely benign. Review status: criteria provided, multiple submitters, no conflicts (2 of 4 stars). 2 submissions from 2 submitters: Likely benign (2). Last evaluated 2026-05-26.

Conditions:
Gastrointestinal stromal tumor. Also called: Gastrointestinal stromal tumor, somatic; Gastrointestinal stroma tumor. Identifiers: Orphanet 44890, MedGen C0238198, MeSH D046152, MONDO:0011719, OMIM 606764, HP:0100723.

Allele frequency attached by ClinVar (database versions not stated): gnomAD 0.00001; gnomAD exomes 0.00001; TOPMed 0.00001.
gnomAD v4.1: 10 of 1,613,774 alleles (0.00062%); highest among the groups gnomAD compares: Non-Finnish European, 0.00085%; no homozygotes.

Submissions (2):

Myriad Genetics, Inc.
Classification: Likely benign for Gastrointestinal stromal tumor. Last evaluated: 2026-05-26. Review status: criteria provided, single submitter. Criteria: Myriad Autosomal Dominant, Autosomal Recessive and X-Linked Classification Criteria (2023). Collection method: clinical testing. Allele origin: unknown.
Comment: This variant is considered likely benign. This variant is intronic and is not expected to impact mRNA splicing.

Labcorp Genetics (formerly Invitae), Labcorp
Classification: Likely benign for Gastrointestinal stromal tumor. Last evaluated: 2024-08-19. Review status: criteria provided, single submitter. Criteria: Invitae Variant Classification Sherloc (09022015). Collection method: clinical testing. Allele origin: germline.

NM_000222.3(KIT):c.620-10T>C

Gene: KIT (KIT proto-oncogene, receptor tyrosine kinase; plus strand). Cytogenetic location: 4q12.
Variant type: single nucleotide variant.
Coding change: c.620-10T>C on transcript NM_000222.3 (MANE Select); 10 bases into the intron before coding-DNA position 620, T replaced by C.
Molecular consequence: intron variant.
Genome position (GRCh38, 1-based): chr4:54,699,620, T>C. VCF-style: chr4-54699620-T-C. GRCh37 (hg19) VCF-style: chr4-55565786-T-C.
Other names: c.620-10T>C (NM_001385284.1, NM_001385290.1, NM_001385288.1 and 4 more transcripts).
Identifiers: ClinVar variation 528647 (VCV000528647.12), dbSNP rs1362563387, ClinGen allele CA658796440.